The following is an entry in ClinVar:

ClinVar aggregate classification (germline): Uncertain significance. Review status: criteria provided, multiple submitters, no conflicts (2 of 4 stars). 7 submissions from 7 submitters: Uncertain significance (7). Last evaluated 2026-01-05.

Conditions:
Hereditary cancer-predisposing syndrome. Also called: Neoplastic Syndromes, Hereditary; Tumor predisposition; Hereditary Cancer Syndrome; Hereditary neoplastic syndrome. Identifiers: Orphanet 140162, MedGen C0027672, MeSH D009386, MONDO:0015356.
CHEK2-related cancer predisposition (TPDS4). Also called: CHEK2-related cancer susceptibility; TUMOR PREDISPOSITION SYNDROME 4; CANCER PREDISPOSITION SYNDROME, CHEK2-RELATED. Identifiers: Orphanet 524, MedGen C5882668, MONDO:0700271, OMIM 609265.
Familial cancer of breast. Also called: BREAST CANCER, FAMILIAL; hereditary breast carcinoma; Hereditary breast cancer. Identifiers: Orphanet 227535, MedGen C0346153, MONDO:0016419, OMIM 114480. Disease mechanism: loss of function.

Allele frequency attached by ClinVar (database versions not stated): gnomAD exomes below 0.00001; gnomAD 0.00002; TOPMed 0.00002.
gnomAD v4.1: 16 of 1,614,048 alleles (0.00099%); highest among the groups gnomAD compares: South Asian, 0.0055%; no homozygotes.

Submissions (7):

Labcorp Genetics (formerly Invitae), Labcorp
Classification: Uncertain significance for Familial cancer of breast. Last evaluated: 2026-01-05. Review status: criteria provided, single submitter. Criteria: Invitae Variant Classification Sherloc (09022015). Collection method: clinical testing. Allele origin: germline.
Comment: This sequence change replaces isoleucine, which is neutral and non-polar, with valine, which is neutral and non-polar, at codon 160 of the CHEK2 protein (p.Ile160Val). This variant is present in population databases (no rsID available, gnomAD 0.008%). This missense change has been observed in individual(s) with breast cancer (PMID: 36003761). ClinVar contains an entry for this variant (Variation ID: 232725). An algorithm developed to predict the effect of missense changes on protein structure and function (PolyPhen-2) suggests that this variant is likely to be tolerated. Experimental studies have shown that this missense change does not substantially affect CHEK2 function (PMID: 37449874). In summary, the available evidence is currently insufficient to determine the role of this variant in disease. Therefore, it has been classified as a Variant of Uncertain Significance.

GeneDx
Classification: Uncertain significance. Last evaluated: 2025-07-08. Review status: criteria provided, single submitter. Criteria: GeneDx Variant Classification Process June 2021. Collection method: clinical testing. Allele origin: germline. Affected: yes.
Comment: Not observed at significant frequency in large population cohorts (gnomAD); In silico analysis suggests that this missense variant does not alter protein structure/function; Has not been previously published as pathogenic or benign to our knowledge; This variant is associated with the following publications: (PMID: 36493725, 28082821, 22419737, 25629968, 32443704, 19782031, 37449874, 33471991, 35441217, 35980532, 36765901, 35493704, 36003761, 34482403)

Ambry Genetics
Classification: Uncertain significance for Hereditary cancer-predisposing syndrome. Last evaluated: 2025-06-17. Review status: criteria provided, single submitter. Criteria: Ambry Variant Classification Scheme 2023. Collection method: clinical testing. Allele origin: germline.
Comment: The p.I160V variant (also known as c.478A>G), located in coding exon 3 of the CHEK2 gene, results from an A to G substitution at nucleotide position 478. The isoleucine at codon 160 is replaced by valine, an amino acid with highly similar properties. This alteration has been identified in an individual diagnosed with breast cancer (Megid TBC et al. Front Oncol, 2022 Aug;12:873395). This alteration has also been identified in an individual diagnosed with renal cell cancer (Yngvadottir B et al. Hum Mol Genet, 2022 Aug;31:3001-3011). This variant was reported as functional in a study assessing CHEK2-complementation through quantification of KAP1 phosphorylation and CHK2 autophosphorylation in human RPE1-CHEK2-knockout cells (Stolarova L et al. Clin Cancer Res, 2023 Aug;29:3037-3050). This amino acid position is highly conserved in available vertebrate species. In addition, the in silico prediction for this alteration is inconclusive. Based on the available evidence, the clinical significance of this variant remains unclear.

Color Diagnostics, LLC DBA Color Health
Classification: Uncertain significance for Hereditary cancer-predisposing syndrome. Last evaluated: 2025-03-31. Review status: criteria provided, single submitter. Criteria: ACMG Guidelines, 2015. Collection method: clinical testing. Allele origin: germline.
Comment: This missense variant replaces isoleucine with valine at codon 160 of the CHEK2 protein. Computational prediction suggests that this variant may not impact protein structure and function. To our knowledge, functional studies have not been reported for this variant. This variant has been reported in individuals affected with breast cancer (PMID: 33471991; Leiden Open Variation Database DB-ID CHEK2_000071, 36003761; Color internal data) and in an individual affected with familial breast and thyroid cancer (PMID: 32443704). One of the individuals affected with breast cancer also carried a pathogenic variant in the BRCA2 gene that could explain the observed phenotype (PMID: 36003761). This variant has been identified in 3/282814 chromosomes in the general population by the Genome Aggregation Database (gnomAD). The available evidence is insufficient to determine the role of this variant in disease conclusively. Therefore, this variant is classified as a Variant of Uncertain Significance.

Baylor Genetics
Classification: Uncertain significance for CHEK2-related cancer predisposition. Last evaluated: 2021-07-27. Review status: criteria provided, single submitter. Criteria: ACMG Guidelines, 2015. Collection method: clinical testing. Allele origin: unknown. Affected: yes. Study: CSER-TexasKidsCanSeq.
Comment: This variant was determined to be of uncertain significance according to ACMG Guidelines, 2015 [PMID:25741868].

Mendelics
Classification: Uncertain significance for Familial cancer of breast. Last evaluated: 2019-05-28. Review status: criteria provided, single submitter. Criteria: Mendelics Assertion Criteria 2017. Collection method: clinical testing. Allele origin: unknown.

Women's Health and Genetics/Laboratory Corporation of America, LabCorp
Classification: Uncertain significance. Last evaluated: 2017-02-16. Review status: criteria provided, single submitter. Criteria: LabCorp Variant Classification Summary - May 2015. Collection method: clinical testing. Allele origin: germline.
Comment: Variant summary: The CHEK2 c.478A>G (p.Ile160Val) variant involves the alteration of a conserved nucleotide. 3/4 in silico tools predict a benign outcome for this variant (SNPs&GO not captured due to low reliability index). This variant is absent from 121352 control chromosomes. In addition, a clinical diagnostic laboratory/reputable database classified this variant as uncertain significance. The variant of interest has not, to our knowledge, been reported in affected individuals via publications nor evaluated for functional impact by in vivo/vitro studies. Because of the absence of clinical information and the lack of functional studies, the variant is classified as a variant of uncertain significance (VUS) until additional information becomes available.

Literature cited by the submitters: PubMed 36003761 (cited by 3 submitters); PubMed 37449874 (cited by Labcorp Genetics (formerly Invitae), Labcorp and Ambry Genetics); PubMed 22419737 (cited by Ambry Genetics); PubMed 25629968 (cited by Ambry Genetics); PubMed 35441217 (cited by Ambry Genetics); PubMed 32443704 (cited by Color Diagnostics, LLC DBA Color Health); PubMed 33471991 (cited by Color Diagnostics, LLC DBA Color Health); PubMed 28082821 (cited by Women's Health and Genetics/Laboratory Corporation of America, LabCorp).

NM_007194.4(CHEK2):c.478A>G (p.Ile160Val)

Gene: CHEK2 (checkpoint kinase 2; minus strand). Cytogenetic location: 22q12.1.
Variant type: single nucleotide variant.
Coding change: c.478A>G on transcript NM_007194.4 (MANE Select); coding-DNA position 478, A replaced by G.
Protein change: p.Ile160Val; replaces isoleucine 160 with valine.
Molecular consequence: missense variant. On other transcripts: 5 prime UTR variant (2), intron variant (1).
Genome position (GRCh38, 1-based): chr22:28,725,091, T>C on the plus strand (A>G on the coding strand, the complement: CHEK2 is on the minus strand). VCF-style: chr22-28725091-T-C. GRCh37 (hg19) VCF-style: chr22-29121079-T-C.
Other names: c.607A>G, p.Ile203Val (NM_001005735.3, NM_001438294.1); c.-300A>G (NM_001257387.3); c.-186A>G (NM_001437942.1); c.571A>G, p.Ile191Val (NM_001438293.1, NM_001438295.1); c.478A>G, p.Ile160Val (NM_145862.3); c.444+152A>G (NM_001349956.3); short protein forms I160V, I203V, I191V.
Identifiers: ClinVar variation 232725 (VCV000232725.29), dbSNP rs876659950, ClinGen allele CA10581094.